The following is an entry in ClinVar:

NM_006361.6(HOXB13):c.476G>C (p.Arg159Pro)

Gene: HOXB13 (homeobox B13; minus strand). Cytogenetic location: 17q21.32.
Variant type: single nucleotide variant.
Coding change: c.476G>C on transcript NM_006361.6 (MANE Select); coding-DNA position 476, G replaced by C.
Protein change: p.Arg159Pro; replaces arginine 159 with proline.
Molecular consequence: missense variant.
Genome position (GRCh38, 1-based): chr17:48,728,118, C>G on the plus strand (G>C on the coding strand, the complement: HOXB13 is on the minus strand). VCF-style: chr17-48728118-C-G. GRCh37 (hg19) VCF-style: chr17-46805480-C-G.
Other names: short protein forms R159P.
Identifiers: ClinVar variation 825159 (VCV000825159.15), dbSNP rs1241042961, ClinGen allele CA400107377.

ClinVar aggregate classification (germline): Uncertain significance. Review status: criteria provided, multiple submitters, no conflicts (2 of 4 stars). 2 submissions from 2 submitters: Uncertain significance (2). Last evaluated 2025-08-29.

Conditions:
Hereditary cancer-predisposing syndrome. Also called: Neoplastic Syndromes, Hereditary; Tumor predisposition; Hereditary neoplastic syndrome; Hereditary Cancer Syndrome. Identifiers: Orphanet 140162, MedGen C0027672, MeSH D009386, MONDO:0015356.

Allele frequency attached by ClinVar (database versions not stated): gnomAD exomes below 0.00001; TOPMed below 0.00001.
gnomAD v4.1: 1 of 1,614,196 alleles (0.000062%); highest among the groups gnomAD compares: Admixed American, 0.0017%; no homozygotes.

Submissions (2):

Labcorp Genetics (formerly Invitae), Labcorp
Classification: Uncertain significance. Last evaluated: 2025-08-29. Review status: criteria provided, single submitter. Criteria: Invitae Variant Classification Sherloc (09022015). Collection method: clinical testing. Allele origin: germline.
Comment: This sequence change replaces arginine, which is basic and polar, with proline, which is neutral and non-polar, at codon 159 of the HOXB13 protein (p.Arg159Pro). This variant is present in population databases (no rsID available, gnomAD 0.003%). This variant has not been reported in the literature in individuals affected with HOXB13-related conditions. ClinVar contains an entry for this variant (Variation ID: 825159). Invitae Evidence Modeling of protein sequence and biophysical properties (such as structural, functional, and spatial information, amino acid conservation, physicochemical variation, residue mobility, and thermodynamic stability) indicates that this missense variant is not expected to disrupt HOXB13 protein function with a negative predictive value of 80%. In summary, the available evidence is currently insufficient to determine the role of this variant in disease. Therefore, it has been classified as a Variant of Uncertain Significance.

Ambry Genetics
Classification: Uncertain significance for Hereditary cancer-predisposing syndrome. Last evaluated: 2025-05-21. Review status: criteria provided, single submitter. Criteria: Ambry Variant Classification Scheme 2023. Collection method: clinical testing. Allele origin: germline.
Comment: The p.R159P variant (also known as c.476G>C), located in coding exon 1 of the HOXB13 gene, results from a G to C substitution at nucleotide position 476. The arginine at codon 159 is replaced by proline, an amino acid with dissimilar properties. This amino acid position is highly conserved in available vertebrate species. In addition, this alteration is predicted to be deleterious by in silico analysis. Since supporting evidence is limited at this time, the clinical significance of this alteration remains unclear.